The following is an entry in ClinVar:

ClinVar aggregate classification (germline): Uncertain significance (1 of 4 stars; one submission).

Allele frequency attached by ClinVar (database versions not stated): 1000 Genomes Project 30x 0.00016; 1000 Genomes Project 0.00020.
gnomAD v4.1: 5 of 1,243,102 alleles (0.0004%); highest among the groups gnomAD compares: South Asian, 0.017%; no homozygotes.

Submission:

Labcorp Genetics (formerly Invitae), Labcorp
Classification: Uncertain significance. Last evaluated: 2023-10-13. Review status: criteria provided, single submitter. Criteria: Invitae Variant Classification Sherloc (09022015). Collection method: clinical testing. Allele origin: germline.
Comment: This sequence change replaces leucine, which is neutral and non-polar, with valine, which is neutral and non-polar, at codon 556 of the ESPN protein (p.Leu556Val). This variant is not present in population databases (gnomAD no frequency). This variant has not been reported in the literature in individuals affected with ESPN-related conditions. ClinVar contains an entry for this variant (Variation ID: 1475058). An algorithm developed to predict the effect of missense changes on protein structure and function (PolyPhen-2) suggests that this variant is likely to be tolerated. In summary, the available evidence is currently insufficient to determine the role of this variant in disease. Therefore, it has been classified as a Variant of Uncertain Significance.

NM_031475.3(ESPN):c.1666C>G (p.Leu556Val)

Gene: ESPN (espin; plus strand). Cytogenetic location: 1p36.31.
Variant type: single nucleotide variant.
Coding change: c.1666C>G on transcript NM_031475.3 (MANE Select); coding-DNA position 1666, C replaced by G.
Protein change: p.Leu556Val; replaces leucine 556 with valine.
Molecular consequence: missense variant. On other transcripts: intron variant (2).
Genome position (GRCh38, 1-based): chr1:6,448,842, C>G. VCF-style: chr1-6448842-C-G. GRCh37 (hg19) VCF-style: chr1-6508902-C-G.
Other names: c.1626+40C>G (NM_001367474.1, NM_001367473.1); short protein forms L556V.
Identifiers: ClinVar variation 1475058 (VCV001475058.8), dbSNP rs560871360, ClinGen allele CA17211736.